The following is an entry in ClinVar:

NM_152393.4(KLHL40):c.619G>A (p.Ala207Thr)

Gene: KLHL40 (kelch like family member 40; plus strand). Cytogenetic location: 3p22.1.
Variant type: single nucleotide variant.
Coding change: c.619G>A on transcript NM_152393.4 (MANE Select); coding-DNA position 619, G replaced by A.
Protein change: p.Ala207Thr; replaces alanine 207 with threonine.
Molecular consequence: missense variant.
Genome position (GRCh38, 1-based): chr3:42,686,237, G>A. VCF-style: chr3-42686237-G-A. GRCh37 (hg19) VCF-style: chr3-42727729-G-A.
Other names: short protein forms A207T.
Identifiers: ClinVar variation 1008855 (VCV001008855.2), dbSNP rs1479459996, ClinGen allele CA352290061.

ClinVar aggregate classification (germline): Uncertain significance (1 of 4 stars; one submission).

Conditions:
Nemaline myopathy 8 (NEM8). Also called: Nemaline myopathy 8, autosomal recessive. Identifiers: Orphanet 171430, MedGen C3809209, MONDO:0014138, OMIM 615348.

Allele frequency attached by ClinVar (database versions not stated): gnomAD exomes 0.00001; TOPMed 0.00002.
gnomAD v4.1: 26 of 1,553,436 alleles (0.0017%); highest among the groups gnomAD compares: Non-Finnish European, 0.0023%; no homozygotes.

Submission:

Labcorp Genetics (formerly Invitae), Labcorp
Classification: Uncertain significance for Nemaline myopathy 8. Last evaluated: 2021-08-30. Review status: criteria provided, single submitter. Criteria: Invitae Variant Classification Sherloc (09022015). Collection method: clinical testing. Allele origin: germline.
Comment: This sequence change replaces alanine with threonine at codon 207 of the KLHL40 protein (p.Ala207Thr). The alanine residue is highly conserved and there is a small physicochemical difference between alanine and threonine. The frequency data for this variant in the population databases is considered unreliable, as metrics indicate insufficient coverage at this position in the ExAC database. This variant has not been reported in the literature in individuals affected with KLHL40-related conditions. Algorithms developed to predict the effect of missense changes on protein structure and function output the following: SIFT: "Deleterious"; PolyPhen-2: "Benign"; Align-GVGD: "Class C0". The threonine amino acid residue is found in multiple mammalian species, which suggests that this missense change does not adversely affect protein function. In summary, the available evidence is currently insufficient to determine the role of this variant in disease. Therefore, it has been classified as a Variant of Uncertain Significance.